The following is an entry in ClinVar:

ClinVar aggregate classification (germline): Likely benign. Review status: criteria provided, multiple submitters, no conflicts (2 of 4 stars). 4 submissions from 4 submitters: Likely benign (3). 1 of the submissions does not count toward it. Last evaluated 2026-04-15.

Conditions:
Tuberous sclerosis 1 (TSC1). Identifiers: Orphanet 805, MedGen C1854465, MONDO:0008612, OMIM 191100.
Lymphangiomyomatosis (LAM). Also called: Lymphangioleiomyomatosis; Lymphangioleiomyomatosis, somatic. Identifiers: Orphanet 538, MedGen C0751674, MONDO:0011705, OMIM 606690.
Isolated focal cortical dysplasia type II (FCORD2). Also called: CORTICAL DYSPLASIA OF TAYLOR; Focal cortical dysplasia type II. Identifiers: Orphanet 268994, MedGen C1846385, MONDO:0011818, OMIM 607341, HP:0032051.
TSC1-related disorder. Also called: TSC1-related condition.
Hereditary cancer-predisposing syndrome. Also called: Hereditary Cancer Syndrome; Neoplastic Syndromes, Hereditary; Hereditary neoplastic syndrome; Tumor predisposition. Identifiers: Orphanet 140162, MedGen C0027672, MeSH D009386, MONDO:0015356.

Submissions (4):

Ambry Genetics
Classification: Likely benign for Hereditary cancer-predisposing syndrome. Last evaluated: 2026-04-15. Review status: criteria provided, single submitter. Criteria: Ambry Variant Classification Scheme 2023. Collection method: clinical testing. Allele origin: germline.

Department of Pathology and Laboratory Medicine, Sinai Health System
Classification: Likely benign for Tuberous sclerosis 1; Lymphangiomyomatosis; Isolated focal cortical dysplasia type II. Last evaluated: 2024-01-02. Review status: criteria provided, single submitter. Criteria: ACMG Guidelines, 2015. Collection method: clinical testing. Allele origin: germline.

Sema4
Classification: Likely benign for Hereditary cancer-predisposing syndrome. Last evaluated: 2021-07-26. Review status: criteria provided, single submitter. Criteria: Sema4 Curation Guidelines. Collection method: curation. Allele origin: germline.

PreventionGenetics, part of Exact Sciences
Classification: Likely benign for TSC1-related condition. Last evaluated: 2019-06-24. Review status: no assertion criteria provided. Collection method: clinical testing. Allele origin: germline. Not counted in ClinVar's aggregate classification.
Comment: This variant is classified as likely benign based on ACMG/AMP sequence variant interpretation guidelines (Richards et al. 2015 PMID: 25741868, with internal and published modifications).

NM_000368.5(TSC1):c.2626-8_2626-4del

Gene: TSC1 (TSC complex subunit 1; minus strand). Cytogenetic location: 9q34.13.
Variant type: Deletion.
Coding change: c.2626-8_2626-4del on transcript NM_000368.5 (MANE Select); 8 bases into the intron before coding-DNA position 2626 through 4 bases into the intron before coding-DNA position 2626, 5 bases deleted (TTTTT; older notation c.2626-8_2626-4delTTTTT).
Molecular consequence: intron variant.
Genome position (GRCh38, 1-based): chr9:132,897,614-132,897,618, AAAAA deleted on the plus strand (TTTTT on the coding strand, the reverse complement: TSC1 is on the minus strand); deleting any 5 consecutive bases within chr9:132,897,614-132,897,631 gives the same sequence; the c. name uses the placement nearest the transcript's 3' end. VCF-style (leftmost placement, unchanged base first): chr9-132897613-GAAAAA-G. GRCh37 (hg19) VCF-style: chr9-135773000-GAAAAA-G.
Other names: c.2263-8_2263-4del (NM_001362177.2); c.2473-8_2473-4del (NM_001162427.2); c.2623-8_2623-4del (NM_001162426.2); c.2626-8_2626-4del5 (NM_000368.4).
Identifiers: ClinVar variation 1692402 (VCV001692402.5), dbSNP rs5901000, ClinGen allele CA200926888.